The following is an entry in ClinVar:

NM_000748.3(CHRNB2):c.1240G>C (p.Gly414Arg)

Gene: CHRNB2 (cholinergic receptor nicotinic beta 2 subunit; plus strand). Cytogenetic location: 1q21.3.
Variant type: single nucleotide variant.
Coding change: c.1240G>C on transcript NM_000748.3 (MANE Select); coding-DNA position 1240, G replaced by C.
Protein change: p.Gly414Arg; replaces glycine 414 with arginine.
Molecular consequence: missense variant.
Genome position (GRCh38, 1-based): chr1:154,572,063, G>C. VCF-style: chr1-154572063-G-C. GRCh37 (hg19) VCF-style: chr1-154544539-G-C.
Other names: short protein forms G414R.
Identifiers: ClinVar variation 1444185 (VCV001444185.6), dbSNP rs1024048381, ClinGen allele CA342631762.

ClinVar aggregate classification (germline): Uncertain significance (1 of 4 stars; one submission).

Conditions:
Familial sleep-related hypermotor epilepsy. Also called: Autosomal Dominant Sleep-Related Hypermotor (Hyperkinetic) Epilepsy. Identifiers: Orphanet 98784, MedGen C3696898, MONDO:0000030.

gnomAD v4.1: 4 of 1,533,676 alleles (0.00026%); highest among the groups gnomAD compares: African/African-American, 0.0055%; no homozygotes.

Submission:

Labcorp Genetics (formerly Invitae), Labcorp
Classification: Uncertain significance. Last evaluated: 2023-02-16. Review status: criteria provided, single submitter. Criteria: Invitae Variant Classification Sherloc (09022015). Collection method: clinical testing. Allele origin: germline.
Comment: In summary, the available evidence is currently insufficient to determine the role of this variant in disease. Therefore, it has been classified as a Variant of Uncertain Significance. Advanced modeling of protein sequence and biophysical properties (such as structural, functional, and spatial information, amino acid conservation, physicochemical variation, residue mobility, and thermodynamic stability) performed at Invitae indicates that this missense variant is not expected to disrupt CHRNB2 protein function. This sequence change replaces glycine, which is neutral and non-polar, with arginine, which is basic and polar, at codon 414 of the CHRNB2 protein (p.Gly414Arg). This variant is present in population databases (no rsID available, gnomAD 0.01%). This variant has not been reported in the literature in individuals affected with CHRNB2-related conditions. ClinVar contains an entry for this variant (Variation ID: 1444185).